The following is an entry in ClinVar:

ClinVar aggregate classification (germline): Uncertain significance. Review status: criteria provided, multiple submitters, no conflicts (2 of 4 stars). 2 submissions from 2 submitters: Uncertain significance (2). Last evaluated 2025-08-30.

Conditions:
Inborn genetic diseases. Identifiers: MedGen C0950123, MeSH D030342.

Allele frequency attached by ClinVar (database versions not stated): gnomAD exomes below 0.00001; gnomAD 0.00001; TOPMed 0.00002.
gnomAD v4.1: 8 of 1,613,448 alleles (0.0005%); highest among the groups gnomAD compares: South Asian, 0.0011%; no homozygotes.

Submissions (2):

Ambry Genetics
Classification: Uncertain significance for Inborn genetic diseases. Last evaluated: 2025-08-30. Review status: criteria provided, single submitter. Criteria: Ambry Variant Classification Scheme 2023. Collection method: clinical testing. Allele origin: germline.

GeneDx
Classification: Uncertain significance. Last evaluated: 2023-04-18. Review status: criteria provided, single submitter. Criteria: GeneDx Variant Classification Process June 2021. Collection method: clinical testing. Allele origin: germline. Affected: yes.
Comment: Not observed at significant frequency in large population cohorts (gnomAD); In silico analysis supports that this missense variant has a deleterious effect on protein structure/function; Has not been previously published as pathogenic or benign to our knowledge

NM_018249.6(CDK5RAP2):c.172C>T (p.Arg58Trp)

Gene: CDK5RAP2 (CDK5 regulatory subunit associated protein 2; minus strand). Cytogenetic location: 9q33.2.
Variant type: single nucleotide variant.
Coding change: c.172C>T on transcript NM_018249.6 (MANE Select); coding-DNA position 172, C replaced by T.
Protein change: p.Arg58Trp; replaces arginine 58 with tryptophan.
Molecular consequence: missense variant. On other transcripts: non-coding transcript variant (5).
Genome position (GRCh38, 1-based): chr9:120,568,344, G>A on the plus strand (C>T on the coding strand, the complement: CDK5RAP2 is on the minus strand). VCF-style: chr9-120568344-G-A. GRCh37 (hg19) VCF-style: chr9-123330622-G-A.
Other names: c.172C>T, p.Arg58Trp (NM_001011649.3, NM_001272039.2, NM_001410992.1 and 2 more transcripts); short protein forms R58W.
Identifiers: ClinVar variation 2663620 (VCV002663620.2), dbSNP rs890773739, ClinGen allele CA199316438.